The following is an entry in ClinVar:

NM_001378026.1(NBEAL1):c.5339G>A (p.Arg1780His)

Gene: NBEAL1 (neurobeachin like 1; plus strand). Cytogenetic location: 2q33.2.
Variant type: single nucleotide variant.
Coding change: c.5339G>A on transcript NM_001378026.1 (MANE Select); coding-DNA position 5339, G replaced by A.
Protein change: p.Arg1780His; replaces arginine 1780 with histidine.
Molecular consequence: missense variant.
Genome position (GRCh38, 1-based): chr2:203,149,025, G>A. VCF-style: chr2-203149025-G-A. GRCh37 (hg19) VCF-style: chr2-204013748-G-A.
Other names: c.5252G>A, p.Arg1751His (NM_001114132.2); short protein forms R1751H, R1780H.
Identifiers: ClinVar variation 4084054 (VCV004084054.8).
Genomic context (GRCh38, chr2:203,149,025, plus strand): 5'-ACCTTACTTTTTATTGTTTCTTTCAGGAGCTGTTTGTGGAGCCATTTAATCGAAAAGCAC[G>A]CCAAGAGAACCTGAGGTATAATAATATGCTTAAACAACTTAGCAGTCAACAGTTAGCCAC-3'
Protein context (NP_001364955.1, residues 1770-1790): LFVEPFNRKA[Arg1780His]QENLRYNNML

ClinVar aggregate classification (germline): Likely benign (1 of 4 stars; one submission).

gnomAD v4.1: 1,973 of 1,609,884 alleles (0.12%); highest among the groups gnomAD compares: Admixed American, 0.21%; 3 homozygotes.

Submission:

CeGaT Center for Human Genetics Tuebingen
Classification: Likely benign. Last evaluated: 2025-08-01. Review status: criteria provided, single submitter. Criteria: CeGaT Center For Human Genetics Tuebingen Variant Classification Criteria Version 2. Collection method: clinical testing. Allele origin: germline. Affected: yes. Observed: 1 variant allele.
Comment: NBEAL1: BS2